The following is an entry in ClinVar:

NM_001458.5(FLNC):c.1092dup (p.Glu365Ter)

Gene: FLNC (filamin C; plus strand). Cytogenetic location: 7q32.1.
Variant type: Duplication.
Coding change: c.1092dup on transcript NM_001458.5 (MANE Select); coding-DNA position 1092, one base duplicated (T; older notation c.1092dupT).
Protein change: p.Glu365Ter; replaces glutamic acid 365 with a stop codon.
Molecular consequence: nonsense.
Genome position (GRCh38, 1-based): chr7:128,838,311, T duplicated; the last of 3 consecutive T bases (chr7:128,838,309-128,838,311); duplicating any one gives the same sequence. VCF-style (leftmost placement, unchanged base first): chr7-128838308-C-CT. GRCh37 (hg19) VCF-style: chr7-128478362-C-CT.
Other names: c.1092dup, p.Glu365Ter (NM_001127487.2); c.1092dupT (NM_001458.4); short protein forms E365*.
Identifiers: ClinVar variation 2952887 (VCV002952887.4), dbSNP rs2536620957, ClinGen allele CA2740097538.

ClinVar aggregate classification (germline): Pathogenic. Review status: criteria provided, multiple submitters, no conflicts (2 of 4 stars). 2 submissions from 2 submitters: Pathogenic (2). Last evaluated 2026-01-16.

Conditions:
Cardiovascular phenotype. Identifiers: MedGen CN230736.
Hypertrophic cardiomyopathy 26. Also called: Cardiomyopathy, familial hypertrophic, 26. Identifiers: Orphanet 75249, MedGen C4310749, MONDO:0014883, OMIM 617047.
Myofibrillar myopathy 5. Also called: Filaminopathy (type); FILAMINOPATHY, AUTOSOMAL DOMINANT. Identifiers: Orphanet 171445, MedGen C1836050, MONDO:0012289, OMIM 609524.
Distal myopathy with posterior leg and anterior hand involvement. Also called: WILLIAMS DISTAL MYOPATHY. Identifiers: Orphanet 63273, MedGen C3279722, MONDO:0013550, OMIM 614065.

Submissions (2):

Labcorp Genetics (formerly Invitae), Labcorp
Classification: Pathogenic for Distal myopathy with posterior leg and anterior hand involvement; Myofibrillar myopathy 5; Hypertrophic cardiomyopathy 26. Last evaluated: 2026-01-16. Review status: criteria provided, single submitter. Criteria: Invitae Variant Classification Sherloc (09022015). Collection method: clinical testing. Allele origin: germline.
Comment: This sequence change creates a premature translational stop signal (p.Glu365*) in the FLNC gene. It is expected to result in an absent or disrupted protein product. Loss-of-function variants in FLNC are known to be pathogenic (PMID: 27908349). This variant is not present in population databases (gnomAD no frequency). This variant has not been reported in the literature in individuals affected with FLNC-related conditions. ClinVar contains an entry for this variant (Variation ID: 2952887). For these reasons, this variant has been classified as Pathogenic.

Ambry Genetics
Classification: Pathogenic for Cardiovascular phenotype. Last evaluated: 2025-11-26. Review status: criteria provided, single submitter. Criteria: Ambry Variant Classification Scheme 2023. Collection method: clinical testing. Allele origin: germline.
Comment: The c.1092dupT pathogenic mutation, located in coding exon 7 of the FLNC gene, results from a duplication of T at nucleotide position 1092, causing a translational frameshift with a predicted alternate stop codon (p.E365*). This variant is considered to be rare based on population cohorts in the Genome Aggregation Database (gnomAD). This alteration is expected to result in loss of function by premature protein truncation or nonsense-mediated mRNA decay. As such, this alteration is interpreted as a disease-causing mutation for FLNC-related dilated cardiomyopathy; however, its clinical significance for FLNC-related hypertrophic/restrictive cardiomyopathy and/or skeletal myopathy is uncertain.

Literature cited by the submitters: PubMed 27908349 (cited by Labcorp Genetics (formerly Invitae), Labcorp).